The following is an entry in ClinVar:

ClinVar aggregate classification (germline): Benign/Likely benign. Review status: criteria provided, multiple submitters, no conflicts (2 of 4 stars). 3 submissions from 3 submitters: Benign (1); Likely benign (2). Last evaluated 2025-04-17.

Conditions:
Hereditary cancer-predisposing syndrome. Also called: Neoplastic Syndromes, Hereditary; Tumor predisposition; Hereditary neoplastic syndrome; Hereditary Cancer Syndrome. Identifiers: Orphanet 140162, MedGen C0027672, MeSH D009386, MONDO:0015356.
Peutz-Jeghers syndrome (PJS). Also called: POLYPOSIS, HAMARTOMATOUS INTESTINAL; POLYPS-AND-SPOTS SYNDROME; Peutz-Jeghers polyposis; Periorificial lentiginosis syndrome. Identifiers: Orphanet 2869, MedGen C0031269, MeSH D010580, MONDO:0008280, OMIM 175200.

Allele frequency attached by ClinVar (database versions not stated): gnomAD exomes below 0.00001.
gnomAD v4.1: 2 of 1,610,534 alleles (0.00012%); highest among the groups gnomAD compares: Non-Finnish European, 0.000085%; no homozygotes.

Submissions (3):

Labcorp Genetics (formerly Invitae), Labcorp
Classification: Likely benign for Peutz-Jeghers syndrome. Last evaluated: 2025-04-17. Review status: criteria provided, single submitter. Criteria: Invitae Variant Classification Sherloc (09022015). Collection method: clinical testing. Allele origin: germline.

Myriad Genetics, Inc.
Classification: Benign for Peutz-Jeghers syndrome. Last evaluated: 2025-03-28. Review status: criteria provided, single submitter. Criteria: Myriad Autosomal Dominant, Autosomal Recessive and X-Linked Classification Criteria (2023). Collection method: clinical testing. Allele origin: unknown.
Comment: This variant is considered benign. This variant is a silent/synonymous amino acid change and it is not expected to impact splicing.

Ambry Genetics
Classification: Likely benign for Hereditary cancer-predisposing syndrome. Last evaluated: 2020-03-16. Review status: criteria provided, single submitter. Criteria: Ambry Variant Classification Scheme 2023. Collection method: clinical testing. Allele origin: germline.

NM_000455.5(STK11):c.1026G>A (p.Glu342=)

Genes: STK11 (serine/threonine kinase 11; plus strand), LOC130062899 (ATAC-STARR-seq lymphoblastoid active region 13597; plus strand). Cytogenetic location: 19p13.3.
Variant type: single nucleotide variant.
Coding change: c.1026G>A on transcript NM_000455.5 (MANE Select); coding-DNA position 1026, G replaced by A.
Protein change: p.Glu342=; no amino-acid change (glutamic acid 342 retained).
Molecular consequence: synonymous variant.
Genome position (GRCh38, 1-based): chr19:1,223,090, G>A. VCF-style: chr19-1223090-G-A. GRCh37 (hg19) VCF-style: chr19-1223089-G-A.
Identifiers: ClinVar variation 527840 (VCV000527840.14), dbSNP rs1195673013, ClinGen allele CA504707776.
Genomic context (GRCh38, chr19:1,223,090, plus strand): 5'-CCCACCGAGCCCAGACACCAAGGACCGGTGGCGCAGCATGACTGTGGTGCCGTACTTGGA[G>A]GACCTGCACGGCGCGGACGAGGACGAGGACCTCTTCGACATCGAGGATGACATCATCTAC-3'
Protein context (NP_000446.1, residues 332-352): WRSMTVVPYL[Glu342=]DLHGADEDED